The following is an entry in ClinVar:

NM_004655.4(AXIN2):c.686A>G (p.Asn229Ser)

Gene: AXIN2 (axin 2; minus strand). Cytogenetic location: 17q24.1.
Variant type: single nucleotide variant.
Coding change: c.686A>G on transcript NM_004655.4 (MANE Select); coding-DNA position 686, A replaced by G.
Protein change: p.Asn229Ser; replaces asparagine 229 with serine.
Molecular consequence: missense variant.
Genome position (GRCh38, 1-based): chr17:65,557,935, T>C on the plus strand (A>G on the coding strand, the complement: AXIN2 is on the minus strand). VCF-style: chr17-65557935-T-C. GRCh37 (hg19) VCF-style: chr17-63554053-T-C.
Other names: c.686A>G, p.Asn229Ser (NM_001363813.1); short protein forms N229S.
Identifiers: ClinVar variation 1386396 (VCV001386396.11), dbSNP rs764704332, ClinGen allele CA8719009.

ClinVar aggregate classification (germline): Uncertain significance. Review status: criteria provided, multiple submitters, no conflicts (2 of 4 stars). 4 submissions from 4 submitters: Uncertain significance (4). Last evaluated 2025-05-02.

Conditions:
Colorectal cancer. Also called: Colorectal cancer, somatic; Malignant Colorectal Neoplasm. Identifiers: MedGen C0346629, MONDO:0005575, OMIM 114500.
Hereditary cancer-predisposing syndrome. Also called: Neoplastic Syndromes, Hereditary; Tumor predisposition; Hereditary neoplastic syndrome; Hereditary Cancer Syndrome. Identifiers: Orphanet 140162, MedGen C0027672, MeSH D009386, MONDO:0015356.
Oligodontia-cancer predisposition syndrome. Also called: TOOTH AGENESIS-COLORECTAL CANCER SYNDROME. Identifiers: Orphanet 300576, MedGen C1837750, MONDO:0012075, OMIM 608615. Disease mechanism: loss of function.

Allele frequency attached by ClinVar (database versions not stated): ExAC 0.00001; TOPMed 0.00001.
gnomAD v4.1: 2 of 1,614,166 alleles (0.00012%); highest among the groups gnomAD compares: African/African-American, 0.0013%; no homozygotes.

Submissions (4):

Labcorp Genetics (formerly Invitae), Labcorp
Classification: Uncertain significance for Oligodontia-cancer predisposition syndrome. Last evaluated: 2025-05-02. Review status: criteria provided, single submitter. Criteria: Invitae Variant Classification Sherloc (09022015). Collection method: clinical testing. Allele origin: germline.
Comment: This sequence change replaces asparagine, which is neutral and polar, with serine, which is neutral and polar, at codon 229 of the AXIN2 protein (p.Asn229Ser). This variant is present in population databases (rs764704332, gnomAD 0.003%). This variant has not been reported in the literature in individuals affected with AXIN2-related conditions. ClinVar contains an entry for this variant (Variation ID: 1386396). Invitae Evidence Modeling of protein sequence and biophysical properties (such as structural, functional, and spatial information, amino acid conservation, physicochemical variation, residue mobility, and thermodynamic stability) indicates that this missense variant is not expected to disrupt AXIN2 protein function with a negative predictive value of 80%. In summary, the available evidence is currently insufficient to determine the role of this variant in disease. Therefore, it has been classified as a Variant of Uncertain Significance.

Ambry Genetics
Classification: Uncertain significance for Hereditary cancer-predisposing syndrome. Last evaluated: 2025-02-13. Review status: criteria provided, single submitter. Criteria: Ambry Variant Classification Scheme 2023. Collection method: clinical testing. Allele origin: germline.
Comment: The p.N229S variant (also known as c.686A>G), located in coding exon 1 of the AXIN2 gene, results from an A to G substitution at nucleotide position 686. The asparagine at codon 229 is replaced by serine, an amino acid with highly similar properties. This amino acid position is well conserved in available vertebrate species. In addition, this alteration is predicted to be tolerated by in silico analysis. Since supporting evidence is limited at this time, the clinical significance of this alteration remains unclear.

GeneDx
Classification: Uncertain significance. Last evaluated: 2024-03-01. Review status: criteria provided, single submitter. Criteria: GeneDx Variant Classification Process June 2021. Collection method: clinical testing. Allele origin: germline. Affected: yes.
Comment: Not observed at significant frequency in large population cohorts (gnomAD); In silico analysis supports that this missense variant has a deleterious effect on protein structure/function; Has not been previously published as pathogenic or benign to our knowledge

Baylor Genetics
Classification: Uncertain significance for Colorectal cancer. Last evaluated: 2023-08-02. Review status: criteria provided, single submitter. Criteria: ACMG Guidelines, 2015. Collection method: clinical testing. Allele origin: unknown.